The following is an entry in ClinVar:

NM_000440.3(PDE6A):c.2249G>A (p.Arg750His)

Gene: PDE6A (phosphodiesterase 6A; minus strand). Cytogenetic location: 5q32.
Variant type: single nucleotide variant.
Coding change: c.2249G>A on transcript NM_000440.3 (MANE Select); coding-DNA position 2249, G replaced by A.
Protein change: p.Arg750His; replaces arginine 750 with histidine.
Molecular consequence: missense variant.
Genome position (GRCh38, 1-based): chr5:149,867,750, C>T on the plus strand (G>A on the coding strand, the complement: PDE6A is on the minus strand). VCF-style: chr5-149867750-C-T. GRCh37 (hg19) VCF-style: chr5-149247313-C-T.
Other names: short protein forms R750H.
Identifiers: ClinVar variation 787982 (VCV000787982.16), dbSNP rs146145709, ClinGen allele CA3504352.

ClinVar aggregate classification (germline): Conflicting classifications of pathogenicity. Review status: criteria provided, conflicting classifications (1 of 4 stars). 6 submissions from 6 submitters: Uncertain significance (1); Likely benign (2). 3 of the submissions do not count toward it. Last evaluated 2025-12-22.

Conditions:
PDE6A-related disorder. Also called: PDE6A-related condition.
Retinitis pigmentosa 43 (RP43). Identifiers: Orphanet 791, MedGen C3151139, MONDO:0013437, OMIM 613810.

Allele frequency attached by ClinVar (database versions not stated): gnomAD exomes 0.00007; ESP Exome Variant Server 0.00008; gnomAD 0.00010 and 0.00015; TOPMed 0.00013; 1000 Genomes Project 30x 0.00141; 1000 Genomes Project 0.00160.
gnomAD v4.1: 143 of 1,613,802 alleles (0.0089%); highest among the groups gnomAD compares: East Asian, 0.15%; 1 homozygote.

Submissions (6):

Labcorp Genetics (formerly Invitae), Labcorp
Classification: Likely benign. Last evaluated: 2025-12-22. Review status: criteria provided, single submitter. Criteria: Invitae Variant Classification Sherloc (09022015). Collection method: clinical testing. Allele origin: germline.

Blueprint Genetics
Classification: Likely benign. Last evaluated: 2024-10-22. Review status: criteria provided, single submitter. Criteria: ACMG Guidelines, 2015. Collection method: clinical testing. Allele origin: germline.

Department of Pathology and Laboratory Medicine, Sinai Health System
Classification: Uncertain significance for Retinitis pigmentosa 43. Last evaluated: 2023-11-10. Review status: criteria provided, single submitter. Criteria: ACMG Guidelines, 2015. Collection method: research. Allele origin: germline.

PreventionGenetics, part of Exact Sciences
Classification: Likely benign for PDE6A-related condition. Last evaluated: 2024-09-05. Review status: no assertion criteria provided. Collection method: clinical testing. Allele origin: germline. Not counted in ClinVar's aggregate classification.
Comment: This variant is classified as likely benign based on ACMG/AMP sequence variant interpretation guidelines (Richards et al. 2015 PMID: 25741868, with internal and published modifications).

Clinical Genetics DNA and cytogenetics Diagnostics Lab, Erasmus MC, Erasmus Medical Center
Classification: Uncertain significance. Review status: no assertion criteria provided. Collection method: clinical testing. Allele origin: germline. Affected: yes. Study: VKGL Data-share Consensus. Not counted in ClinVar's aggregate classification.

Clinical Genetics, Academic Medical Center
Classification: Uncertain significance. Review status: no assertion criteria provided. Collection method: clinical testing. Allele origin: germline. Affected: yes. Study: VKGL Data-share Consensus. Not counted in ClinVar's aggregate classification.